The following is an entry in ClinVar:

NM_002227.4(JAK1):c.300G>T (p.Lys100Asn)

Gene: JAK1 (Janus kinase 1; minus strand). Cytogenetic location: 1p31.3.
Variant type: single nucleotide variant.
Coding change: c.300G>T on transcript NM_002227.4 (MANE Select); coding-DNA position 300, G replaced by T.
Protein change: p.Lys100Asn; replaces lysine 100 with asparagine.
Molecular consequence: missense variant.
Genome position (GRCh38, 1-based): chr1:64,879,054, C>A on the plus strand (G>T on the coding strand, the complement: JAK1 is on the minus strand). VCF-style: chr1-64879054-C-A. GRCh37 (hg19) VCF-style: chr1-65344737-C-A.
Other names: c.300G>T, p.Lys100Asn (NM_001320923.2, NM_001321852.2, NM_001321853.2 and 4 more transcripts); short protein forms K100N.
Identifiers: ClinVar variation 4741132 (VCV004741132.1).

ClinVar aggregate classification (germline): Uncertain significance (1 of 4 stars; one submission).

Submission:

Labcorp Genetics (formerly Invitae), Labcorp
Classification: Uncertain significance. Last evaluated: 2025-11-06. Review status: criteria provided, single submitter. Criteria: Invitae Variant Classification Sherloc (09022015). Collection method: clinical testing. Allele origin: germline.
Comment: This sequence change replaces lysine, which is basic and polar, with asparagine, which is neutral and polar, at codon 100 of the JAK1 protein (p.Lys100Asn). This variant is not present in population databases (gnomAD no frequency). This variant has not been reported in the literature in individuals affected with JAK1-related conditions. Invitae Evidence Modeling of protein sequence and biophysical properties (such as structural, functional, and spatial information, amino acid conservation, physicochemical variation, residue mobility, and thermodynamic stability) indicates that this missense variant is not expected to disrupt JAK1 protein function with a negative predictive value of 80%. In summary, the available evidence is currently insufficient to determine the role of this variant in disease. Therefore, it has been classified as a Variant of Uncertain Significance.